The following is an entry in ClinVar:

ClinVar aggregate classification (germline): Likely benign (0 of 4 stars; one submission).

Conditions:
ADGRL2-related disorder. Also called: ADGRL2-related condition.

Allele frequency attached by ClinVar (database versions not stated): gnomAD exomes 0.00016; ExAC 0.00054; ESP Exome Variant Server 0.00131; gnomAD 0.00167; TOPMed 0.00186; 1000 Genomes Project 0.00200; 1000 Genomes Project 30x 0.00234.
gnomAD v4.1: 497 of 1,614,086 alleles (0.031%); highest among the groups gnomAD compares: African/African-American, 0.6%; 4 homozygotes.

Submission:

PreventionGenetics, part of Exact Sciences
Classification: Likely benign for ADGRL2-related condition. Last evaluated: 2019-04-11. Review status: no assertion criteria provided. Collection method: clinical testing. Allele origin: germline.
Comment: This variant is classified as likely benign based on ACMG/AMP sequence variant interpretation guidelines (Richards et al. 2015 PMID: 25741868, with internal and published modifications).

NM_001366006.2(ADGRL2):c.3726C>T (p.Asn1242=)

Gene: ADGRL2 (adhesion G protein-coupled receptor L2; plus strand). Cytogenetic location: 1p31.1.
Variant type: single nucleotide variant.
Coding change: c.3726C>T on transcript NM_001366006.2 (MANE Select); coding-DNA position 3726, C replaced by T.
Protein change: p.Asn1242=; no amino-acid change (asparagine 1242 retained).
Molecular consequence: synonymous variant. On other transcripts: 3 prime UTR variant (8), non-coding transcript variant (1).
Genome position (GRCh38, 1-based): chr1:81,990,461, C>T. VCF-style: chr1-81990461-C-T. GRCh37 (hg19) VCF-style: chr1-82456145-C-T.
Other names: c.3528C>T, p.Asn1176= (NM_001297704.3, NM_001366002.2, NM_001393351.1 and 2 more transcripts); c.*100C>T (NM_001297705.3); c.*59C>T (NM_001297706.3, NM_001366009.2, NM_001393353.1); c.3567C>T, p.Asn1189= (NM_001330645.3, NM_001393350.1); c.3708C>T, p.Asn1236= (NM_001350698.2, NM_001366003.2, NM_001366004.2 and 1 more transcripts); c.*118C>T (NM_001350699.2, NM_001393354.1); c.3726C>T, p.Asn1242= (NM_001366005.2); c.*86C>T (NM_001366007.2, NM_001366008.2).
Identifiers: ClinVar variation 3048503 (VCV003048503.2), dbSNP rs151184559, ClinGen allele CA923157.